The following is an entry in ClinVar:

ClinVar aggregate classification (germline): Uncertain significance. Review status: criteria provided, multiple submitters, no conflicts (2 of 4 stars). 2 submissions from 2 submitters: Uncertain significance (2). Last evaluated 2025-02-28.

Conditions:
Inborn genetic diseases. Identifiers: MedGen C0950123, MeSH D030342.

Allele frequency attached by ClinVar (database versions not stated): gnomAD 0.00001.

Submissions (2):

Ambry Genetics
Classification: Uncertain significance for Inborn genetic diseases. Last evaluated: 2025-02-28. Review status: criteria provided, single submitter. Criteria: Ambry Variant Classification Scheme 2023. Collection method: clinical testing. Allele origin: germline.

Labcorp Genetics (formerly Invitae), Labcorp
Classification: Uncertain significance. Last evaluated: 2022-07-05. Review status: criteria provided, single submitter. Criteria: Invitae Variant Classification Sherloc (09022015). Collection method: clinical testing. Allele origin: germline.
Comment: This sequence change replaces alanine, which is neutral and non-polar, with threonine, which is neutral and polar, at codon 802 of the TONSL protein (p.Ala802Thr). This variant is not present in population databases (gnomAD no frequency). This variant has not been reported in the literature in individuals affected with TONSL-related conditions. ClinVar contains an entry for this variant (Variation ID: 1481405). Algorithms developed to predict the effect of missense changes on protein structure and function are either unavailable or do not agree on the potential impact of this missense change (SIFT: "Tolerated"; PolyPhen-2: "Possibly Damaging"; Align-GVGD: "Class C0"). In summary, the available evidence is currently insufficient to determine the role of this variant in disease. Therefore, it has been classified as a Variant of Uncertain Significance.

NM_013432.5(TONSL):c.2404G>A (p.Ala802Thr)

Genes: TONSL (tonsoku like, DNA repair protein; minus strand), TONSL-AS1 (TONSL antisense RNA 1; plus strand). Cytogenetic location: 8q24.3.
Variant type: single nucleotide variant.
Coding change: c.2404G>A on transcript NM_013432.5 (MANE Select); coding-DNA position 2404, G replaced by A.
Protein change: p.Ala802Thr; replaces alanine 802 with threonine.
Molecular consequence: missense variant.
Genome position (GRCh38, 1-based): chr8:144,436,029, C>T on the plus strand (G>A on the coding strand, the complement: TONSL is on the minus strand). VCF-style: chr8-144436029-C-T. GRCh37 (hg19) VCF-style: chr8-145661412-C-T.
Other names: c.2404G>A (NM_013432.4); short protein forms A802T.
Identifiers: ClinVar variation 1481405 (VCV001481405.4), dbSNP rs1823439676, ClinGen allele CA372655442.